The following is an entry in ClinVar:

ClinVar aggregate classification (germline): Likely benign. Review status: criteria provided, single submitter (1 of 4 stars). 2 submissions from 2 submitters: Likely benign (1). 1 of the submissions does not count toward it. Last evaluated 2022-07-01.

Conditions:
EPPK1-related disorder. Also called: EPPK1-related condition.

Allele frequency attached by ClinVar (database versions not stated): 1000 Genomes Project 30x 0.00109; 1000 Genomes Project 0.00120; TOPMed 0.00215; ESP Exome Variant Server 0.00322; gnomAD exomes 0.00338.
gnomAD v4.1: 5,333 of 1,613,000 alleles (0.33%); highest among the groups gnomAD compares: Non-Finnish European, 0.39%; 9 homozygotes.

Submissions (2):

CeGaT Center for Human Genetics Tuebingen
Classification: Likely benign. Last evaluated: 2022-07-01. Review status: criteria provided, single submitter. Criteria: CeGaT Center For Human Genetics Tuebingen Variant Classification Criteria Version 2. Collection method: clinical testing. Allele origin: germline. Affected: yes. Observed: 1 variant allele.
Comment: EPPK1: BP4, BP7

PreventionGenetics, part of Exact Sciences
Classification: Likely benign for EPPK1-related condition. Last evaluated: 2021-04-22. Review status: no assertion criteria provided. Collection method: clinical testing. Allele origin: germline. Not counted in ClinVar's aggregate classification.
Comment: This variant is classified as likely benign based on ACMG/AMP sequence variant interpretation guidelines (Richards et al. 2015 PMID: 25741868, with internal and published modifications).

NM_031308.4(EPPK1):c.6618G>A (p.Thr2206=)

Gene: EPPK1 (epiplakin 1; minus strand). Cytogenetic location: 8q24.3.
Variant type: single nucleotide variant.
Coding change: c.6618G>A on transcript NM_031308.4 (MANE Select); coding-DNA position 6618, G replaced by A.
Protein change: p.Thr2206=; no amino-acid change (threonine 2206 retained).
Molecular consequence: synonymous variant.
Genome position (GRCh38, 1-based): chr8:143,866,636, C>T on the plus strand (G>A on the coding strand, the complement: EPPK1 is on the minus strand). VCF-style: chr8-143866636-C-T. GRCh37 (hg19) VCF-style: chr8-144940804-C-T.
Identifiers: ClinVar variation 2658924 (VCV002658924.25), dbSNP rs188369736, ClinGen allele CA4921656.